The following is an entry in ClinVar:

ClinVar aggregate classification (germline): Likely pathogenic (1 of 4 stars; one submission).

Conditions:
Early-infantile DEE. Also called: Early infantile epileptic encephalopathy; Ohtahara syndrome; Early infantile epileptic encephalopathy with suppression bursts. Identifiers: Orphanet 1934, MedGen C0393706, MONDO:0800491.

Submission:

Labcorp Genetics (formerly Invitae), Labcorp
Classification: Likely pathogenic for Early-infantile DEE. Last evaluated: 2019-07-05. Review status: criteria provided, single submitter. Criteria: Invitae Variant Classification Sherloc (09022015). Collection method: clinical testing. Allele origin: germline.
Comment: In summary, the currently available evidence indicates that the variant is pathogenic, but additional data are needed to prove that conclusively. Therefore, this variant has been classified as Likely Pathogenic. Algorithms developed to predict the effect of missense changes on protein structure and function (SIFT, PolyPhen-2, Align-GVGD) all suggest that this variant is likely to be disruptive, but these predictions have not been confirmed by published functional studies and their clinical significance is uncertain. This variant is not present in population databases (ExAC no frequency). This sequence change replaces isoleucine with serine at codon 540 of the KCNQ2 protein (p.Ile540Ser). The isoleucine residue is highly conserved and there is a large physicochemical difference between isoleucine and serine.

NM_172107.4(KCNQ2):c.1619T>G (p.Ile540Ser)

Gene: KCNQ2 (potassium voltage-gated channel subfamily Q member 2; minus strand). Cytogenetic location: 20q13.33.
Variant type: single nucleotide variant.
Coding change: c.1619T>G on transcript NM_172107.4 (MANE Select); coding-DNA position 1619, T replaced by G.
Protein change: p.Ile540Ser; replaces isoleucine 540 with serine.
Molecular consequence: missense variant.
Genome position (GRCh38, 1-based): chr20:63,414,100, A>C on the plus strand (T>G on the coding strand, the complement: KCNQ2 is on the minus strand). VCF-style: chr20-63414100-A-C. GRCh37 (hg19) VCF-style: chr20-62045453-A-C.
Other names: c.1565T>G, p.Ile522Ser (NM_001382235.1, NM_172106.3); c.1535T>G, p.Ile512Ser (NM_004518.6); c.1526T>G, p.Ile509Ser (NM_172108.5); short protein forms I512S, I540S, I509S, I522S.
Identifiers: ClinVar variation 947411 (VCV000947411.10), dbSNP rs2080210194, ClinGen allele CA409645165.